The following is an entry in ClinVar:

ClinVar aggregate classification (germline): Likely benign. Review status: criteria provided, multiple submitters, no conflicts (2 of 4 stars). 3 submissions from 3 submitters: Likely benign (2). 1 of the submissions does not count toward it. Last evaluated 2023-09-25.

Conditions:
SOD1-related disorder. Also called: SOD1-related condition.
Amyotrophic lateral sclerosis type 1 (ALS1). Also called: AMYOTROPHIC LATERAL SCLEROSIS 1, FAMILIAL. Identifiers: Orphanet 803, MedGen C1862939, MONDO:0007103, OMIM 105400.

Allele frequency attached by ClinVar (database versions not stated): ExAC 0.00001; gnomAD 0.00001; TOPMed 0.00001; gnomAD exomes 0.00002.
gnomAD v4.1: 61 of 1,613,822 alleles (0.0038%); highest among the groups gnomAD compares: Non-Finnish European, 0.0051%; no homozygotes.

Submissions (3):

Labcorp Genetics (formerly Invitae), Labcorp
Classification: Likely benign for Amyotrophic lateral sclerosis type 1. Last evaluated: 2023-09-25. Review status: criteria provided, single submitter. Criteria: Invitae Variant Classification Sherloc (09022015). Collection method: clinical testing. Allele origin: germline.

CeGaT Center for Human Genetics Tuebingen
Classification: Likely benign. Last evaluated: 2023-02-01. Review status: criteria provided, single submitter. Criteria: CeGaT Center For Human Genetics Tuebingen Variant Classification Criteria Version 2. Collection method: clinical testing. Allele origin: germline. Affected: yes. Observed: 1 variant allele.
Comment: SOD1: BP4, BP7

PreventionGenetics, part of Exact Sciences
Classification: Likely benign for SOD1-related condition. Last evaluated: 2023-10-06. Review status: no assertion criteria provided. Collection method: clinical testing. Allele origin: germline. Not counted in ClinVar's aggregate classification.
Comment: This variant is classified as likely benign based on ACMG/AMP sequence variant interpretation guidelines (Richards et al. 2015 PMID: 25741868, with internal and published modifications).

NM_000454.5(SOD1):c.27G>A (p.Leu9=)

Genes: SOD1 (superoxide dismutase 1; plus strand), SOD1-DT (SOD1 divergent transcript; minus strand). Cytogenetic location: 21q22.11.
Variant type: single nucleotide variant.
Coding change: c.27G>A on transcript NM_000454.5 (MANE Select); coding-DNA position 27, G replaced by A.
Protein change: p.Leu9=; no amino-acid change (leucine 9 retained).
Molecular consequence: synonymous variant.
Genome position (GRCh38, 1-based): chr21:31,659,796, G>A. VCF-style: chr21-31659796-G-A. GRCh37 (hg19) VCF-style: chr21-33032109-G-A.
Other names: c.27G>A (NM_000454.4).
Identifiers: ClinVar variation 1643211 (VCV001643211.33), dbSNP rs772764888, ClinGen allele CA9998856.
Genomic context (GRCh38, chr21:31,659,796, plus strand): 5'-TCGGAACCAGGACCTCGGCGTGGCCTAGCGAGTTATGGCGACGAAGGCCGTGTGCGTGCT[G>A]AAGGGCGACGGCCCAGTGCAGGGCATCATCAATTTCGAGCAGAAGGCAAGGGCTGGGACG-3'
Protein context (NP_000445.1, residues 1-19): MATKAVCV[Leu9=]KGDGPVQGII